The following is an entry in ClinVar:

ClinVar aggregate classification (germline): Benign (3 of 4 stars; one submission).

Conditions:
Breast-ovarian cancer, familial, susceptibility to, 1 (BROVCA1). Also called: BRCA1 Hereditary Breast and Ovarian Cancer; OVARIAN CANCER, SUSCEPTIBILITY TO. Identifiers: Orphanet 145, MedGen C2676676, MONDO:0011450, OMIM 604370. Disease mechanism: loss of function.

Allele frequency attached by ClinVar (database versions not stated): TOPMed 0.30187; gnomAD 0.31610; 1000 Genomes Project 30x 0.34697; 1000 Genomes Project 0.35264.
gnomAD v4.1: 47,832 of 150,986 alleles (32%); highest among the groups gnomAD compares: South Asian, 49%; 7,902 homozygotes.

Submission:

Evidence-based Network for the Interpretation of Germline Mutant Alleles (ENIGMA)
Classification: Benign for Breast-ovarian cancer, familial 1. Last evaluated: 2015-01-12. Review status: reviewed by expert panel. Criteria: ENIGMA BRCA1/2 Classification Criteria (2015). Collection method: curation. Allele origin: germline.
Comment: Class 1 not pathogenic based on frequency >1% in an outbred sampleset. Frequency 0.3304 (Asian), 0.2154 (African), 0.3602 (European), derived from 1000 genomes (2012-04-30).

NM_007294.4(BRCA1):c.81-2667C>T

Gene: BRCA1 (BRCA1 DNA repair associated; minus strand). Cytogenetic location: 17q21.31.
Variant type: single nucleotide variant.
Coding change: c.81-2667C>T on transcript NM_007294.4 (MANE Select); 2667 bases into the intron before coding-DNA position 81, C replaced by T.
Molecular consequence: intron variant.
Genome position (GRCh38, 1-based): chr17:43,118,446, G>A on the plus strand (C>T on the coding strand, the complement: BRCA1 is on the minus strand). VCF-style: chr17-43118446-G-A. GRCh37 (hg19) VCF-style: chr17-41270463-G-A.
Other names: IVS 2-2667C>T; c.81-2667C>T (NM_001407860.1, NM_001407611.1, NM_001407590.1 and 191 more transcripts); c.-339-2667C>T (NM_001407965.1); c.-177-2667C>T (NM_001407930.1, NM_001407843.1, NM_001408456.1 and 12 more transcripts); c.-181-2667C>T (NM_001408465.1, NM_001407695.1); c.-109+675C>T (NM_001408482.1); c.-62+675C>T (NM_001407920.1, NM_001407697.1, NM_001407846.1); c.-178+675C>T (NM_001407696.1); and 15 more.
Identifiers: ClinVar variation 209551 (VCV000209551.2), dbSNP rs8176088, ClinGen allele CA276520.